The following is an entry in ClinVar:

NM_173628.4(DNAH17):c.12405+2dup

Gene: DNAH17 (dynein axonemal heavy chain 17; minus strand). Cytogenetic location: 17q25.3.
Variant type: Duplication.
Coding change: c.12405+2dup on transcript NM_173628.4 (MANE Select); the canonical splice donor site of the intron after coding-DNA position 12405, one base duplicated (T; older notation c.12405+2dupT).
Molecular consequence: splice donor variant.
Genome position (GRCh38, 1-based): chr17:78,429,119, A duplicated on the plus strand (T on the coding strand, the reverse complement: DNAH17 is on the minus strand). VCF-style (leftmost placement, unchanged base first): chr17-78429118-T-TA. GRCh37 (hg19) VCF-style: chr17-76425199-T-TA.
Identifiers: ClinVar variation 4987103 (VCV004987103.1).
Genomic context (GRCh38, chr17:78,429,118, plus strand): 5'-GGCTCTCACCGGGAGGCACGAGCCTTCATTACGTTGAGCTCCTGTTTAACTTGTCATCCT[T>TA]ACCTTGTAGTCCAGGTTGGGGGGGATCTGAAAGCCGGGGGCCAGCAGGACGTCTCCCTCC-3'

ClinVar aggregate classification (germline): Likely pathogenic (1 of 4 stars; one submission).

Conditions:
DNAH17-related disorder. Also called: DNAH17-related condition.

Submission:

PreventionGenetics, part of Exact Sciences
Classification: Likely pathogenic for DNAH17-related condition. Last evaluated: 2025-08-21. Review status: criteria provided, single submitter. Criteria: ACMG Guidelines, 2015. Collection method: clinical testing. Allele origin: germline.
Comment: The DNAH17 c.12405+2dupT variant is predicted to result in an intronic duplication. This intronic variant is predicted to decrease the strength of the canonical splice donor site based on available splicing prediction programs (SpliceAI, Jaganathan et al. 2019. PubMed ID: 30661751). To our knowledge, this variant has not been reported in the literature or in a large population database (gnomAD), indicating this variant is rare. Nonsense variants in DNAH17 are expected to be pathogenic. This variant is interpreted as likely pathogenic.